The following is an entry in ClinVar:

ClinVar aggregate classification (germline): Uncertain significance. Review status: criteria provided, multiple submitters, no conflicts (2 of 4 stars). 3 submissions from 3 submitters: Uncertain significance (3). Last evaluated 2026-07-23.

Conditions:
CEACAM16-related disorder. Also called: CEACAM16-related condition.
Inborn genetic diseases. Identifiers: MedGen C0950123, MeSH D030342.

Allele frequency attached by ClinVar (database versions not stated): gnomAD exomes 0.00001; ExAC 0.00002.
gnomAD v4.1: 3 of 1,596,140 alleles (0.00019%); highest among the groups gnomAD compares: Admixed American, 0.0017%; no homozygotes.

Submissions (3):

PreventionGenetics, part of Exact Sciences
Classification: Uncertain significance for CEACAM16-related condition. Last evaluated: 2026-07-23. Review status: criteria provided, single submitter. Criteria: ACMG Guidelines, 2015. Collection method: clinical testing. Allele origin: germline.
Comment: The CEACAM16 c.502G>A variant is predicted to result in the amino acid substitution p.Gly168Ser. To our knowledge, this variant has not been reported in the literature. This variant is reported in 0.0032% of alleles in individuals of Latino descent in gnomAD. At this time, the clinical significance of this variant is uncertain due to the absence of conclusive functional and genetic evidence.

Ambry Genetics
Classification: Uncertain significance for Inborn genetic diseases. Last evaluated: 2025-08-20. Review status: criteria provided, single submitter. Criteria: Ambry Variant Classification Scheme 2023. Collection method: clinical testing. Allele origin: germline.

Labcorp Genetics (formerly Invitae), Labcorp
Classification: Uncertain significance. Last evaluated: 2023-02-06. Review status: criteria provided, single submitter. Criteria: Invitae Variant Classification Sherloc (09022015). Collection method: clinical testing. Allele origin: germline.
Comment: Advanced modeling of protein sequence and biophysical properties (such as structural, functional, and spatial information, amino acid conservation, physicochemical variation, residue mobility, and thermodynamic stability) performed at Invitae indicates that this missense variant is not expected to disrupt CEACAM16 protein function. This sequence change replaces glycine, which is neutral and non-polar, with serine, which is neutral and polar, at codon 168 of the CEACAM16 protein (p.Gly168Ser). The frequency data for this variant in the population databases is considered unreliable, as metrics indicate poor data quality at this position in the gnomAD database. This variant has not been reported in the literature in individuals affected with CEACAM16-related conditions. In summary, the available evidence is currently insufficient to determine the role of this variant in disease. Therefore, it has been classified as a Variant of Uncertain Significance.

NM_001039213.4(CEACAM16):c.502G>A (p.Gly168Ser)

Genes: CEACAM16 (CEA cell adhesion molecule 16, tectorial membrane component; plus strand), CEACAM16-AS1 (CEACAM16, CEACAM19 and PVR antisense RNA 1; minus strand). Cytogenetic location: 19q13.32.
Variant type: single nucleotide variant.
Coding change: c.502G>A on transcript NM_001039213.4 (MANE Select); coding-DNA position 502, G replaced by A.
Protein change: p.Gly168Ser; replaces glycine 168 with serine.
Molecular consequence: missense variant.
Genome position (GRCh38, 1-based): chr19:44,704,137, G>A. VCF-style: chr19-44704137-G-A. GRCh37 (hg19) VCF-style: chr19-45207407-G-A.
Other names: c.502G>A (NM_001039213.3, NM_001039213.2); short protein forms G168S.
Identifiers: ClinVar variation 1928909 (VCV001928909.7), dbSNP rs770300041, ClinGen allele CA9503074.